The following is an entry in ClinVar:

ClinVar aggregate classification (germline): Uncertain significance. Review status: criteria provided, multiple submitters, no conflicts (2 of 4 stars). 2 submissions from 2 submitters: Uncertain significance (2). Last evaluated 2025-05-04.

Conditions:
Hereditary cancer-predisposing syndrome. Also called: Hereditary Cancer Syndrome; Neoplastic Syndromes, Hereditary; Hereditary neoplastic syndrome; Tumor predisposition. Identifiers: Orphanet 140162, MedGen C0027672, MeSH D009386, MONDO:0015356.
Tuberous sclerosis 2 (TSC2). Identifiers: Orphanet 805, MedGen C1860707, MONDO:0013199, OMIM 613254.

Submissions (2):

Labcorp Genetics (formerly Invitae), Labcorp
Classification: Uncertain significance for Tuberous sclerosis 2. Last evaluated: 2025-05-04. Review status: criteria provided, single submitter. Criteria: Invitae Variant Classification Sherloc (09022015). Collection method: clinical testing. Allele origin: germline.
Comment: This sequence change replaces glutamic acid, which is acidic and polar, with glutamine, which is neutral and polar, at codon 412 of the TSC2 protein (p.Glu412Gln). This variant is not present in population databases (gnomAD no frequency). This variant has not been reported in the literature in individuals affected with TSC2-related conditions. ClinVar contains an entry for this variant (Variation ID: 818664). Invitae Evidence Modeling of protein sequence and biophysical properties (such as structural, functional, and spatial information, amino acid conservation, physicochemical variation, residue mobility, and thermodynamic stability) indicates that this missense variant is not expected to disrupt TSC2 protein function with a negative predictive value of 95%. In summary, the available evidence is currently insufficient to determine the role of this variant in disease. Therefore, it has been classified as a Variant of Uncertain Significance.

Ambry Genetics
Classification: Uncertain significance for Hereditary cancer-predisposing syndrome. Last evaluated: 2025-04-10. Review status: criteria provided, single submitter. Criteria: Ambry Variant Classification Scheme 2023. Collection method: clinical testing. Allele origin: germline.
Comment: The p.E412Q variant (also known as c.1234G>C), located in coding exon 11 of the TSC2 gene, results from a G to C substitution at nucleotide position 1234. The glutamic acid at codon 412 is replaced by glutamine, an amino acid with highly similar properties. This amino acid position is highly conserved in available vertebrate species. In addition, this alteration is predicted to be deleterious by in silico analysis. Based on the available evidence, the clinical significance of this variant remains unclear.

NM_000548.5(TSC2):c.1234G>C (p.Glu412Gln)

Gene: TSC2 (TSC complex subunit 2; plus strand). Cytogenetic location: 16p13.3.
Variant type: single nucleotide variant.
Coding change: c.1234G>C on transcript NM_000548.5 (MANE Select); coding-DNA position 1234, G replaced by C.
Protein change: p.Glu412Gln; replaces glutamic acid 412 with glutamine.
Molecular consequence: missense variant.
Genome position (GRCh38, 1-based): chr16:2,061,985, G>C. VCF-style: chr16-2061985-G-C. GRCh37 (hg19) VCF-style: chr16-2111986-G-C.
Other names: c.1234G>C, p.Glu412Gln (NM_001077183.3, NM_001114382.3, NM_001363528.2 and 3 more transcripts); c.1123G>C, p.Glu375Gln (NM_001318827.2); c.1087G>C, p.Glu363Gln (NM_001318829.2); c.634G>C, p.Glu212Gln (NM_001318831.2); c.1267G>C, p.Glu423Gln (NM_001318832.2); short protein forms E212Q, E423Q, E363Q, E375Q, E412Q.
Identifiers: ClinVar variation 818664 (VCV000818664.8), dbSNP rs1596303713, ClinGen allele CA394321314.
Genomic context (GRCh38, chr16:2,061,985, plus strand): 5'-GAGGAGCTGTGTGACCAGAACGAGTTCCACGGGTCTCAGGAGAGATACTTTGAACTGGTG[G>C]AGAGATGTGCGGACCAGAGGCCTGTGAGACCCCCTCCTGGGTGGGGCCTTTGGGCTTTGG-3'
Protein context (NP_000539.2, residues 402-422): GSQERYFELV[Glu412Gln]RCADQRPESS